The following is an entry in ClinVar:

ClinVar aggregate classification (germline): Benign/Likely benign. Review status: criteria provided, multiple submitters, no conflicts (2 of 4 stars). 5 submissions from 5 submitters: Benign (1); Likely benign (3). 1 of the submissions does not count toward it. Last evaluated 2025-08-26.

Conditions:
TRIOBP-related disorder. Also called: TRIOBP-related condition.

Allele frequency attached by ClinVar (database versions not stated): gnomAD exomes 0.00027; ExAC 0.00047; 1000 Genomes Project 30x 0.00062; 1000 Genomes Project 0.00080; gnomAD 0.00113 and 0.00123; ESP Exome Variant Server 0.00116; TOPMed 0.00144.
gnomAD v4.1: 326 of 1,602,540 alleles (0.02%); highest among the groups gnomAD compares: African/African-American, 0.4%; 2 homozygotes.

Submissions (5):

Labcorp Genetics (formerly Invitae), Labcorp
Classification: Benign. Last evaluated: 2025-08-26. Review status: criteria provided, single submitter. Criteria: Invitae Variant Classification Sherloc (09022015). Collection method: clinical testing. Allele origin: germline.

Blueprint Genetics
Classification: Likely benign. Last evaluated: 2024-01-23. Review status: criteria provided, single submitter. Criteria: ACMG Guidelines, 2015. Collection method: clinical testing. Allele origin: germline.

GeneDx
Classification: Likely benign. Last evaluated: 2019-07-26. Review status: criteria provided, single submitter. Criteria: GeneDx Variant Classification Process June 2021. Collection method: clinical testing. Allele origin: germline. Affected: yes.

Laboratory for Molecular Medicine, Mass General Brigham Personalized Medicine
Classification: Likely benign. Last evaluated: 2018-01-30. Review status: criteria provided, single submitter. Criteria: LMM Criteria. Collection method: clinical testing. Allele origin: germline. Observed: 1 variant allele.
Comment: Pro1686Pro in Exon 09 of TRIOBP: This variant is not expected to have clinical s ignificance because it does not alter an amino acid residue, is not located with in the splice consensus sequence, and has been identified in 0.4% (89/21602) of African chromosomes by the Genome Aggregation Database (gnomAD; dbSNP rs113459040).

PreventionGenetics, part of Exact Sciences
Classification: Likely benign for TRIOBP-related condition. Last evaluated: 2019-06-03. Review status: no assertion criteria provided. Collection method: clinical testing. Allele origin: germline. Not counted in ClinVar's aggregate classification.
Comment: This variant is classified as likely benign based on ACMG/AMP sequence variant interpretation guidelines (Richards et al. 2015 PMID: 25741868, with internal and published modifications).

NM_001039141.3(TRIOBP):c.5058C>G (p.Pro1686=)

Gene: TRIOBP (TRIO and F-actin binding protein; plus strand). Cytogenetic location: 22q13.1.
Variant type: single nucleotide variant.
Coding change: c.5058C>G on transcript NM_001039141.3 (MANE Select); coding-DNA position 5058, C replaced by G.
Protein change: p.Pro1686=; no amino-acid change (proline 1686 retained).
Molecular consequence: synonymous variant.
Genome position (GRCh38, 1-based): chr22:37,735,394, C>G. VCF-style: chr22-37735394-C-G. GRCh37 (hg19) VCF-style: chr22-38131401-C-G.
Identifiers: ClinVar variation 504692 (VCV000504692.21), dbSNP rs113459040, ClinGen allele CA10224499.